The following is an entry in ClinVar:

NM_001369.3(DNAH5):c.4753A>G (p.Met1585Val)

Genes: DNAH5-AS1 (DNAH5 antisense RNA 1; plus strand), DNAH5 (dynein axonemal heavy chain 5; minus strand). Cytogenetic location: 5p15.2.
Variant type: single nucleotide variant.
Coding change: c.4753A>G on transcript NM_001369.3 (MANE Select); coding-DNA position 4753, A replaced by G.
Protein change: p.Met1585Val; replaces methionine 1585 with valine.
Molecular consequence: missense variant.
Genome position (GRCh38, 1-based): chr5:13,862,591, T>C on the plus strand (A>G on the coding strand, the complement: DNAH5 is on the minus strand). VCF-style: chr5-13862591-T-C. GRCh37 (hg19) VCF-style: chr5-13862700-T-C.
Other names: short protein forms M1585V.
Identifiers: ClinVar variation 959654 (VCV000959654.11), dbSNP rs1580641242, ClinGen allele CA359221697.
Genomic context (GRCh38, chr5:13,862,591, plus strand): 5'-ATAGATGGTTTTCCCACCTGTTGCTCAGTAGGGATCCCAGCAACATCAAGCTGTCCTCCA[T>C]GTTGGCGATGATTTCCGAGGTACTGTCTCCTCTCAAGAGGAGCTCTCCACGGGTTTTAAA-3'
Protein context (NP_001360.1, residues 1575-1595): GDSTSEIIAN[Met1585Val]EDSLMLLGSL

ClinVar aggregate classification (germline): Uncertain significance. Review status: criteria provided, single submitter (1 of 4 stars). 2 submissions from 2 submitters: Uncertain significance (1). 1 of the submissions does not count toward it. Last evaluated 2022-09-06.

Conditions:
Primary ciliary dyskinesia. Also called: Ciliary dyskinesia. Identifiers: Orphanet 244, MedGen C0008780, MONDO:0016575, HP:0012265.

Allele frequency attached by ClinVar (database versions not stated): TOPMed below 0.00001.

Submissions (2):

Labcorp Genetics (formerly Invitae), Labcorp
Classification: Uncertain significance for Primary ciliary dyskinesia. Last evaluated: 2022-09-06. Review status: criteria provided, single submitter. Criteria: Invitae Variant Classification Sherloc (09022015). Collection method: clinical testing. Allele origin: germline.
Comment: This sequence change replaces methionine, which is neutral and non-polar, with valine, which is neutral and non-polar, at codon 1585 of the DNAH5 protein (p.Met1585Val). This variant is not present in population databases (gnomAD no frequency). This variant has not been reported in the literature in individuals affected with DNAH5-related conditions. ClinVar contains an entry for this variant (Variation ID: 959654). Advanced modeling of protein sequence and biophysical properties (such as structural, functional, and spatial information, amino acid conservation, physicochemical variation, residue mobility, and thermodynamic stability) performed at Invitae indicates that this missense variant is not expected to disrupt DNAH5 protein function. In summary, the available evidence is currently insufficient to determine the role of this variant in disease. Therefore, it has been classified as a Variant of Uncertain Significance.

Natera, Inc.
Classification: Uncertain significance for Primary ciliary dyskinesia. Last evaluated: 2020-12-07. Review status: no assertion criteria provided. Collection method: clinical testing. Allele origin: germline. Not counted in ClinVar's aggregate classification.